The following is an entry in ClinVar:

NC_000002.11:g.(?_166852724)_(166856279_?)del

Gene: SCN1A (sodium voltage-gated channel alpha subunit 1; minus strand). Cytogenetic location: 2q24.3.
Variant type: Deletion.
Identifiers: ClinVar variation 3247198 (VCV003247198.1).

ClinVar aggregate classification (germline): Pathogenic (1 of 4 stars; one submission).

Conditions:
Developmental and epileptic encephalopathy. Identifiers: MedGen C5779964, MONDO:0100620.

Submission:

Labcorp Genetics (formerly Invitae), Labcorp
Classification: Pathogenic for Early-infantile DEE. Last evaluated: 2023-02-01. Review status: criteria provided, single submitter. Criteria: Invitae Variant Classification Sherloc (09022015). Collection method: clinical testing. Allele origin: unknown.
Comment: For these reasons, this variant has been classified as Pathogenic. This variant disrupts a region of the SCN1A protein in which other variant(s) (p.Gly1480Val) have been determined to be pathogenic (PMID: 17347258, 35571373). This suggests that this is a clinically significant region of the protein, and that variants that disrupt it are likely to be disease-causing. This variant has not been reported in the literature in individuals affected with SCN1A-related conditions. This variant results in the deletion of part of exon 22 and exon 23 (c.4292_4477-97delinsATCTTTAG) of the SCN1A gene. It is expected to disrupt RNA splicing. Variants that disrupt the donor or acceptor splice site typically lead to a loss of protein function (PMID: 16199547), and loss-of-function variants in SCN1A are known to be pathogenic (PMID: 17347258, 18930999).

Literature cited by the submitters: PubMed 17347258; PubMed 35571373; PubMed 16199547; PubMed 18930999.